The following is an entry in ClinVar:

NM_032581.4(HYCC1):c.722T>G (p.Leu241Ter)

Gene: HYCC1 (hyccin PI4KA lipid kinase complex subunit 1; minus strand). Cytogenetic location: 7p15.3.
Variant type: single nucleotide variant.
Coding change: c.722T>G on transcript NM_032581.4 (MANE Select); coding-DNA position 722, T replaced by G.
Protein change: p.Leu241Ter; replaces leucine 241 with a stop codon.
Molecular consequence: nonsense.
Genome position (GRCh38, 1-based): chr7:22,964,436, A>C on the plus strand (T>G on the coding strand, the complement: HYCC1 is on the minus strand). VCF-style: chr7-22964436-A-C. GRCh37 (hg19) VCF-style: chr7-23004055-A-C.
Other names: c.722T>G, p.Leu241Ter (NM_001363466.2, NM_001363467.2); c.722T>G (NM_032581.3); short protein forms L241*.
Identifiers: ClinVar variation 1333193 (VCV001333193.9), dbSNP rs2128200575, ClinGen allele CA366974188.

ClinVar aggregate classification (germline): Pathogenic/Likely pathogenic. Review status: criteria provided, multiple submitters, no conflicts (2 of 4 stars). 4 submissions from 4 submitters: Pathogenic (2); Likely pathogenic (1). 1 of the submissions does not count toward it. Last evaluated 2022-10-24.

Conditions:
Hypomyelination and Congenital Cataract (HLD5). Also called: hypomyelinating leukodystrophy 5. Identifiers: Orphanet 85163, MedGen C1864663, MONDO:0012514, OMIM 610532.

Allele frequency attached by ClinVar (database versions not stated): gnomAD exomes below 0.00001.
gnomAD v4.1: 2 of 1,594,904 alleles (0.00013%); highest among the groups gnomAD compares: South Asian, 0.0022%; no homozygotes.

Submissions (4):

Labcorp Genetics (formerly Invitae), Labcorp
Classification: Pathogenic for Hypomyelination and Congenital Cataract. Last evaluated: 2022-10-24. Review status: criteria provided, single submitter. Criteria: Invitae Variant Classification Sherloc (09022015). Collection method: clinical testing. Allele origin: germline.
Comment: For these reasons, this variant has been classified as Pathogenic. ClinVar contains an entry for this variant (Variation ID: 1333193). This variant has not been reported in the literature in individuals affected with FAM126A-related conditions. This variant is not present in population databases (gnomAD no frequency). This sequence change creates a premature translational stop signal (p.Leu241*) in the FAM126A gene. It is expected to result in an absent or disrupted protein product. Loss-of-function variants in FAM126A are known to be pathogenic (PMID: 21911699, 22749724, 23998934).

3billion
Classification: Pathogenic for Hypomyelination and Congenital Cataract. Last evaluated: 2022-01-03. Review status: criteria provided, single submitter. Criteria: ACMG Guidelines, 2015. Collection method: clinical testing. Allele origin: germline. Affected: yes. Observed: 1 homozygote.
Comment: Stop-gained (nonsense): predicted to result in a loss or disruption of normal protein function through nonsense-mediated decay (NMD) or protein truncation. Multiple pathogenic variants are reported downstream of the variant (PVS1_VS). It is not observed in the gnomAD v2.1.1 dataset (PM2_M). (3billion dataset, PM3_P). Therefore, this variant is classified as pathogenic according to the recommendation of ACMG/AMP guideline.

Molecular Diagnostics Lab, Nemours Children's Health, Delaware
Classification: Likely pathogenic for Hypomyelination and Congenital Cataract. Last evaluated: 2021-07-16. Review status: criteria provided, single submitter. Criteria: ACMG Guidelines, 2015. Collection method: clinical testing. Allele origin: unknown. Inheritance: Autosomal recessive inheritance. Affected: yes. Observed: 1 homozygote.
Comment: This nonsense variant (c.722T>G, p.Leu241*) has not been observed In population databases (gnomAD) and has not been reported in the literature.

Institute of Human Genetics, University of Ulm
Classification: Likely pathogenic for Hypomyelination and Congenital Cataract. Last evaluated: 2023-08-10. Review status: no assertion criteria provided. Collection method: research. Allele origin: germline. Inheritance: Autosomal recessive inheritance. Affected: yes. Observed: 1 variant allele, 1 homozygote. Not counted in ClinVar's aggregate classification.

Literature cited by the submitters: PubMed 21911699 (cited by Labcorp Genetics (formerly Invitae), Labcorp); PubMed 22749724 (cited by Labcorp Genetics (formerly Invitae), Labcorp); PubMed 23998934 (cited by Labcorp Genetics (formerly Invitae), Labcorp).